The following is an entry in ClinVar:

ClinVar aggregate classification (germline): Conflicting classifications of pathogenicity. Review status: criteria provided, conflicting classifications (1 of 4 stars). 3 submissions from 3 submitters: Uncertain significance (1); Likely benign (2). Last evaluated 2025-09-24.

Conditions:
Hereditary cancer-predisposing syndrome. Also called: Neoplastic Syndromes, Hereditary; Hereditary Cancer Syndrome; Hereditary neoplastic syndrome; Tumor predisposition. Identifiers: Orphanet 140162, MedGen C0027672, MeSH D009386, MONDO:0015356.
Ataxia-telangiectasia syndrome (AT). Also called: Cerebello-oculocutaneous telangiectasia; Immunodeficiency with ataxia telangiectasia; Ataxia-telangiectasia, complementation group D; AT, COMPLEMENTATION GROUP C; ATAXIA-TELANGIECTASIA, FRESNO VARIANT; ATAXIA-TELANGIECTASIA, COMPLEMENTATION GROUP A. Identifiers: Orphanet 100, MedGen C0004135, MONDO:0008840, OMIM 208900.

Allele frequency attached by ClinVar (database versions not stated): gnomAD exomes below 0.00001.
gnomAD v4.1: 2 of 1,613,916 alleles (0.00012%); highest among the groups gnomAD compares: Non-Finnish European, 0.000085%; no homozygotes.

Submissions (3):

Color Diagnostics, LLC DBA Color Health
Classification: Likely benign for Hereditary cancer-predisposing syndrome. Last evaluated: 2025-09-24. Review status: criteria provided, single submitter. Criteria: ACMG Guidelines, 2015. Collection method: clinical testing. Allele origin: germline.

Labcorp Genetics (formerly Invitae), Labcorp
Classification: Uncertain significance for Ataxia-telangiectasia syndrome. Last evaluated: 2025-08-13. Review status: criteria provided, single submitter. Criteria: Invitae Variant Classification Sherloc (09022015). Collection method: clinical testing. Allele origin: germline.
Comment: This sequence change replaces alanine, which is neutral and non-polar, with glycine, which is neutral and non-polar, at codon 1694 of the ATM protein (p.Ala1694Gly). This variant is not present in population databases (gnomAD no frequency). This variant has not been reported in the literature in individuals affected with ATM-related conditions. ClinVar contains an entry for this variant (Variation ID: 142567). Invitae Evidence Modeling of protein sequence and biophysical properties (such as structural, functional, and spatial information, amino acid conservation, physicochemical variation, residue mobility, and thermodynamic stability) indicates that this missense variant is not expected to disrupt ATM protein function with a negative predictive value of 95%. In summary, the available evidence is currently insufficient to determine the role of this variant in disease. Therefore, it has been classified as a Variant of Uncertain Significance.

Ambry Genetics
Classification: Likely benign for Hereditary cancer-predisposing syndrome. Last evaluated: 2024-06-24. Review status: criteria provided, single submitter. Criteria: Ambry Variant Classification Scheme 2023. Collection method: clinical testing. Allele origin: germline.

Literature cited by the submitters: PubMed 30287823 (cited by Ambry Genetics).

NM_000051.4(ATM):c.5081C>G (p.Ala1694Gly)

Gene: ATM (ATM serine/threonine kinase; plus strand). Cytogenetic location: 11q22.3.
Variant type: single nucleotide variant.
Coding change: c.5081C>G on transcript NM_000051.4 (MANE Select); coding-DNA position 5081, C replaced by G.
Protein change: p.Ala1694Gly; replaces alanine 1694 with glycine.
Molecular consequence: missense variant.
Genome position (GRCh38, 1-based): chr11:108,299,789, C>G. VCF-style: chr11-108299789-C-G. GRCh37 (hg19) VCF-style: chr11-108170516-C-G.
Other names: c.5081C>G, p.Ala1694Gly (NM_001351834.2); short protein forms A1694G.
Identifiers: ClinVar variation 142567 (VCV000142567.13), dbSNP rs587782551, ClinGen allele CA168721.
Genomic context (GRCh38, chr11:108,299,789, plus strand): 5'-GCTTGGGAGAAGTGGGTCCTATAGATTTCTCTACCATAGCTATACAACATAGTAAAGATG[C>G]ATCTTATACCAAGGCCCTTAAGTTATTTGAAGATAAAGAACTTCAGTGGACCTTCATAAT-3'
Protein context (NP_000042.3, residues 1684-1704): STIAIQHSKD[Ala1694Gly]SYTKALKLFE